The following is an entry in ClinVar:

NM_003620.4(PPM1D):c.706A>G (p.Met236Val)

Gene: PPM1D (protein phosphatase, Mg2+/Mn2+ dependent 1D; plus strand). Cytogenetic location: 17q23.2.
Variant type: single nucleotide variant.
Coding change: c.706A>G on transcript NM_003620.4 (MANE Select); coding-DNA position 706, A replaced by G.
Protein change: p.Met236Val; replaces methionine 236 with valine.
Molecular consequence: missense variant.
Genome position (GRCh38, 1-based): chr17:60,633,857, A>G. VCF-style: chr17-60633857-A-G. GRCh37 (hg19) VCF-style: chr17-58711218-A-G.
Other names: short protein forms M236V.
Identifiers: ClinVar variation 1985001 (VCV001985001.4), dbSNP rs1598406706, ClinGen allele CA400462687.

ClinVar aggregate classification (germline): Uncertain significance (1 of 4 stars; one submission).

Allele frequency attached by ClinVar (database versions not stated): TOPMed 0.00001.
gnomAD v4.1: 1 of 1,611,424 alleles (0.000062%); highest among the groups gnomAD compares: Admixed American, 0.0017%; no homozygotes.

Submission:

Labcorp Genetics (formerly Invitae), Labcorp
Classification: Uncertain significance. Last evaluated: 2023-08-04. Review status: criteria provided, single submitter. Criteria: Invitae Variant Classification Sherloc (09022015). Collection method: clinical testing. Allele origin: germline.
Comment: In summary, the available evidence is currently insufficient to determine the role of this variant in disease. Therefore, it has been classified as a Variant of Uncertain Significance. Algorithms developed to predict the effect of sequence changes on RNA splicing suggest that this variant may create or strengthen a splice site. An algorithm developed to predict the effect of missense changes on protein structure and function (PolyPhen-2) suggests that this variant is likely to be tolerated. ClinVar contains an entry for this variant (Variation ID: 1985001). This variant has not been reported in the literature in individuals affected with PPM1D-related conditions. This variant is not present in population databases (gnomAD no frequency). This sequence change replaces methionine, which is neutral and non-polar, with valine, which is neutral and non-polar, at codon 236 of the PPM1D protein (p.Met236Val).